The following is an entry in ClinVar:

NM_175914.5(HNF4A):c.924G>T (p.Ser308=)

Gene: HNF4A (hepatocyte nuclear factor 4 alpha; plus strand). Cytogenetic location: 20q13.12.
Variant type: single nucleotide variant.
Coding change: c.924G>T on transcript NM_175914.5 (MANE Select); coding-DNA position 924, G replaced by T.
Protein change: p.Ser308=; no amino-acid change (serine 308 retained).
Molecular consequence: synonymous variant.
Genome position (GRCh38, 1-based): chr20:44,424,115, G>T. VCF-style: chr20-44424115-G-T. GRCh37 (hg19) VCF-style: chr20-43052755-G-T.
Other names: c.924G>T (NM_175914.3); c.990G>T, p.Ser330= (NM_000457.6, NM_178849.3, NM_178850.3); c.924G>T, p.Ser308= (NM_001030003.3, NM_001030004.3); c.969G>T, p.Ser323= (NM_001258355.2); c.915G>T, p.Ser305= (NM_001287182.2, NM_001287183.2, NM_001287184.2).
Identifiers: ClinVar variation 36363 (VCV000036363.13), dbSNP rs140146223, ClinGen allele CA213996.

ClinVar aggregate classification (germline): Benign/Likely benign. Review status: criteria provided, multiple submitters, no conflicts (2 of 4 stars). 4 submissions from 4 submitters: Benign (2); Likely benign (2). Last evaluated 2026-04-12.

Conditions:
Maturity-onset diabetes of the young (MODY). Also called: Maturity onset diabetes mellitus in young. Identifiers: Orphanet 552, MedGen C0342276, MONDO:0018911, HP:0004904.
Maturity-onset diabetes of the young type 1. Also called: MILD JUVENILE DIABETES MELLITUS; MODY, type I; MODY type 1; Diabetes mellitus MODY type 1; MODY HNF4A related; HNF4A-Related Maturity-Onset Diabetes of the Young Type 1. Identifiers: Orphanet 552, MedGen C1852093, MONDO:0007452, OMIM 125850. Disease mechanism: loss of function.

Allele frequency attached by ClinVar (database versions not stated): TOPMed 0.00002; gnomAD 0.00003.
gnomAD v4.1: 37 of 1,613,294 alleles (0.0023%); highest among the groups gnomAD compares: Admixed American, 0.062%; no homozygotes.

Submissions (4):

Ambry Genetics
Classification: Likely benign for Maturity-onset diabetes of the young. Last evaluated: 2026-04-12. Review status: criteria provided, single submitter. Criteria: Ambry Variant Classification Scheme 2023. Collection method: clinical testing. Allele origin: germline.

Labcorp Genetics (formerly Invitae), Labcorp
Classification: Benign. Last evaluated: 2025-07-14. Review status: criteria provided, single submitter. Criteria: Invitae Variant Classification Sherloc (09022015). Collection method: clinical testing. Allele origin: germline.

Women's Health and Genetics/Laboratory Corporation of America, LabCorp
Classification: Likely benign for MODY1. Last evaluated: 2011-08-18. Review status: criteria provided, single submitter. Criteria: LabCorp Variant Classification Summary - May 2015. Collection method: curation, clinical testing. Allele origin: germline. Inheritance: autosomal unknown. Affected: yes.
ClinVar note: Converted during submission from likely benign to Likely benign.

Clinical Genomics, Uppaluri K&H Personalized Medicine Clinic
Classification: Benign for Maturity-onset diabetes of the young. Review status: criteria provided, single submitter. Criteria: K & H Uppaluri Personalized Medicine Clinic Variant Classification & Assertion Criteria_Updated V.1. Collection method: research. Allele origin: unknown. Inheritance: Autosomal dominant inheritance.
Comment: Potent mutations in HNF4A are associated with poor insulin secretion in response to hyperglycemia. Associated with MODY1. Patients initially respond well to sulfonylureas but eventually become insulin dependent. However, more evidence is required to ascertain the role of this particular variant rs140146223 in MODY, yet.

Literature cited by the submitters: DOI 10.1159/000334532 (cited by Clinical Genomics, Uppaluri K&H Personalized Medicine Clinic); PubMed 18268044 (cited by Clinical Genomics, Uppaluri K&H Personalized Medicine Clinic); PubMed 17563455 (cited by Clinical Genomics, Uppaluri K&H Personalized Medicine Clinic); PubMed 32583173 (cited by Clinical Genomics, Uppaluri K&H Personalized Medicine Clinic); PubMed 35052457 (cited by Clinical Genomics, Uppaluri K&H Personalized Medicine Clinic); PubMed 35118593 (cited by Clinical Genomics, Uppaluri K&H Personalized Medicine Clinic).